The following is an entry in ClinVar:

NM_152594.3(SPRED1):c.177T>C (p.Phe59=)

Gene: SPRED1 (sprouty related EVH1 domain containing 1; plus strand). Cytogenetic location: 15q14.
Variant type: single nucleotide variant.
Coding change: c.177T>C on transcript NM_152594.3 (MANE Select); coding-DNA position 177, T replaced by C.
Protein change: p.Phe59=; no amino-acid change (phenylalanine 59 retained).
Molecular consequence: synonymous variant.
Genome position (GRCh38, 1-based): chr15:38,299,517, T>C. VCF-style: chr15-38299517-T-C. GRCh37 (hg19) VCF-style: chr15-38591718-T-C.
Identifiers: ClinVar variation 47966 (VCV000047966.23), dbSNP rs397517871, ClinGen allele CA142272.
Genomic context (GRCh38, chr15:38,299,517, plus strand): 5'-AAGCAGCGTCACTGTCTTCAAAGTCCCTCATCAGGAAGAGAATGGCTGTGCTGACTTTTT[T>C]ATCCGTGGAGAGCGACTCAGGGACAAAATGGTAATGAATAATGTATCTAATACTATAATT-3'
Protein context (NP_689807.1, residues 49-69): HQEENGCADF[Phe59=]IRGERLRDKM

ClinVar aggregate classification (germline): Likely benign. Review status: criteria provided, multiple submitters, no conflicts (2 of 4 stars). 6 submissions from 6 submitters: Likely benign (6). Last evaluated 2026-01-24.

Conditions:
Cardiovascular phenotype. Identifiers: MedGen CN230736.
Legius syndrome. Identifiers: Orphanet 137605, MedGen C1969623, MONDO:0012669, OMIM 611431. Disease mechanism: loss of function.

Allele frequency attached by ClinVar (database versions not stated): gnomAD exomes below 0.00001 and 0.00001; TOPMed 0.00002; ExAC 0.00003; gnomAD 0.00009 and 0.00010.
gnomAD v4.1: 33 of 1,614,034 alleles (0.002%); highest among the groups gnomAD compares: Admixed American, 0.022%; no homozygotes.

Submissions (6):

Labcorp Genetics (formerly Invitae), Labcorp
Classification: Likely benign for Legius syndrome. Last evaluated: 2026-01-24. Review status: criteria provided, single submitter. Criteria: Invitae Variant Classification Sherloc (09022015). Collection method: clinical testing. Allele origin: germline.

Blueprint Genetics
Classification: Likely benign. Last evaluated: 2024-11-05. Review status: criteria provided, single submitter. Criteria: ACMG Guidelines, 2015. Collection method: clinical testing. Allele origin: germline.

Ambry Genetics
Classification: Likely benign for Cardiovascular phenotype. Last evaluated: 2022-06-02. Review status: criteria provided, single submitter. Criteria: Ambry Variant Classification Scheme 2023. Collection method: clinical testing. Allele origin: germline.

Women's Health and Genetics/Laboratory Corporation of America, LabCorp
Classification: Likely benign. Last evaluated: 2020-09-24. Review status: criteria provided, single submitter. Criteria: LabCorp Variant Classification Summary - May 2015. Collection method: clinical testing. Allele origin: germline.

GeneDx
Classification: Likely benign. Last evaluated: 2019-06-07. Review status: criteria provided, single submitter. Criteria: GeneDx Variant Classification Process June 2021. Collection method: clinical testing. Allele origin: germline. Affected: yes.

Laboratory for Molecular Medicine, Mass General Brigham Personalized Medicine
Classification: Likely benign. Last evaluated: 2013-01-15. Review status: criteria provided, single submitter. Criteria: LMM Criteria. Collection method: clinical testing. Allele origin: germline. Observed: 1 variant allele.
Comment: Phe59Phe in Exon 02 of SPRED1: This variant is not expected to have clinical sig nificance because it does not alter an amino acid residue and it is not located within the splice consensus sequence.